The following is an entry in ClinVar:

ClinVar aggregate classification (germline): Likely pathogenic. Review status: criteria provided, multiple submitters, no conflicts (2 of 4 stars). 4 submissions from 4 submitters: Likely pathogenic (2). 2 of the submissions do not count toward it. Last evaluated 2024-10-21.

Conditions:
Spondylometaphyseal dysplasia, Sedaghatian type. Also called: SEDAGHATIAN CHONDRODYSPLASIA; METAPHYSEAL CHONDRODYSPLASIA, CONGENITAL LETHAL; Lethal metaphyseal dysplasia. Identifiers: Orphanet 93317, MedGen C1855229, MONDO:0009593, OMIM 250220.

Submissions (4):

GeneDx
Classification: Likely pathogenic. Last evaluated: 2024-10-21. Review status: criteria provided, single submitter. Criteria: GeneDx Variant Classification Process June 2021. Collection method: clinical testing. Allele origin: germline. Affected: yes.
Comment: Canonical splice site variant predicted to result in an in-frame loss of the adjacent exon in a gene for which loss of function is a known mechanism of disease; Not observed at significant frequency in large population cohorts (gnomAD); This variant is associated with the following publications: (PMID: 24706940, 35718083)

Institute of Human Genetics, University of Leipzig Medical Center
Classification: Likely pathogenic for Spondylometaphyseal dysplasia, Sedaghatian type. Last evaluated: 2024-06-17. Review status: criteria provided, single submitter. Criteria: ACMG Guidelines, 2015. Collection method: clinical testing. Allele origin: inherited. Inheritance: Autosomal recessive inheritance. Affected: yes.
Comment: Criteria applied: PVS1_STR,PM2,PM3

Genomic Medicine Center of Excellence, King Faisal Specialist Hospital and Research Centre
Classification: Pathogenic for Spondylometaphyseal dysplasia, Sedaghatian type. Last evaluated: 2021-04-29. Review status: no assertion criteria provided. Collection method: research. Allele origin: germline. Affected: yes. Not counted in ClinVar's aggregate classification.

Royal Medical Services, Bahrain Defence Force Hospital
No classification provided. Condition: Spondylometaphyseal dysplasia, Sedaghatian type. Review status: no classification provided. Collection method: phenotyping only. Allele origin: biparental. Inheritance: Autosomal recessive inheritance. Affected: yes. Observed: 2 variant alleles, 2 homozygotes. Clinical features observed: Abnormal facial shape, Abnormality of the face, EEG abnormality, Feeding difficulties, Hypotonia, Lethargy, Low-set ears, Microcephaly, Myoclonic seizure, Pes cavus, Premature birth, Scoliosis, and 16 more. Segregation with disease observed. Not counted in ClinVar's aggregate classification.
Comment: The GPX4 c.502-1del variant (also annotated as NM_001039847.2:c.523del p.(Val175Phefs*31), NM_001367832.1:c.421-1del, and NM_001039848.4:c.613-1del) has been identified in the homozygous state in two unrelated affected probands with clinical features consistent with autosomal recessive Sedaghatian-type spondylometaphyseal dysplasia (SMDS), including skeletal dysplasia, short neck, and generalized hypotonia among other overlapping findings. The variant affects the canonical splice acceptor site of the relevant intron and in-frame skipping of the downstream exon is predicted; on the NM_001039847.2 transcript it is annotated as a frameshift, c.523del p.(Val175Phefs*31). According to HGMD Professional 2025.1, this variant has previously been described as disease-causing for Spondylometaphyseal dysplasia, Sedaghatian type (PMID:35718083), and it is also observed in homozygous patients in the CENTOGENE Biodatabank. Based on this cumulative evidence, the testing laboratory (CENTOGENE) reclassified the variant from Variant of Uncertain Significance to Likely Pathogenic according to its implementation of the ACMG/AMP/ClinGen SVI guidelines. This ClinVar submission has been updated to reflect the laboratory's revised classification.

Literature cited by the submitters: PubMed 35718083 (cited by Royal Medical Services, Bahrain Defence Force Hospital); PubMed 24706940 (cited by Royal Medical Services, Bahrain Defence Force Hospital).

NM_002085.5(GPX4):c.502-1del

Gene: GPX4 (glutathione peroxidase 4; plus strand). Cytogenetic location: 19p13.3.
Variant type: Deletion.
Coding change: c.502-1del on transcript NM_002085.5 (MANE Select); the canonical splice acceptor site of the intron before coding-DNA position 502, one base deleted (G; older notation c.502-1delG).
Molecular consequence: splice acceptor variant. On other transcripts: frameshift variant (1).
Genome position (GRCh38, 1-based): chr19:1,106,399, G deleted. VCF-style (leftmost placement, unchanged base first): chr19-1106398-AG-A. GRCh37 (hg19) VCF-style: chr19-1106397-AG-A.
Other names: p.(Val175Phefs*31); c.523del (NM_001039847.2); c.523del, p.Val175fs (NM_001039847.3); c.421-1del (NM_001367832.1); c.613-1del (NM_001039848.4); short protein forms V175fs.
Identifiers: ClinVar variation 451510 (VCV000451510.36), dbSNP rs1555716575, ClinGen allele CA658658763.